The following is an entry in ClinVar:

ClinVar aggregate classification (germline): Pathogenic (1 of 4 stars; one submission).

Submission:

Labcorp Genetics (formerly Invitae), Labcorp
Classification: Pathogenic. Last evaluated: 2025-09-02. Review status: criteria provided, single submitter. Criteria: Invitae Variant Classification Sherloc (09022015). Collection method: clinical testing. Allele origin: germline.
Comment: This sequence change creates a premature translational stop signal (p.Pro186Glnfs*6) in the COL9A2 gene. It is expected to result in an absent or disrupted protein product. Loss-of-function variants in COL9A2 are known to be pathogenic (PMID: 21671392, 33356723). This variant is not present in population databases (gnomAD no frequency). This variant has not been reported in the literature in individuals affected with COL9A2-related conditions. ClinVar contains an entry for this variant (Variation ID: 1375958). For these reasons, this variant has been classified as Pathogenic.

Literature cited by the submitters: PubMed 21671392; PubMed 33356723.

NM_001852.4(COL9A2):c.557del (p.Pro186fs)

Gene: COL9A2 (collagen type IX alpha 2 chain; minus strand). Cytogenetic location: 1p34.2.
Variant type: Deletion.
Coding change: c.557del on transcript NM_001852.4 (MANE Select); coding-DNA position 557, one base deleted (C; older notation c.557delC).
Protein change: p.Pro186fs; shifts the reading frame from proline 186.
Molecular consequence: frameshift variant.
Genome position (GRCh38, 1-based): chr1:40,311,249, G deleted on the plus strand (C on the coding strand, the reverse complement: COL9A2 is on the minus strand); the first of 5 consecutive G bases (chr1:40,311,249-40,311,253); deleting any one gives the same sequence. VCF-style (leftmost placement, unchanged base first): chr1-40311248-TG-T. GRCh37 (hg19) VCF-style: chr1-40776920-TG-T.
Other names: short protein forms P186fs.
Identifiers: ClinVar variation 1375958 (VCV001375958.6), dbSNP rs749888464, ClinGen allele CA1164339363.